The following is an entry in ClinVar:

NM_000718.4(CACNA1B):c.2644C>T (p.Arg882Trp)

Gene: CACNA1B (calcium voltage-gated channel subunit alpha1 B; plus strand). Cytogenetic location: 9q34.3.
Variant type: single nucleotide variant.
Coding change: c.2644C>T on transcript NM_000718.4 (MANE Select); coding-DNA position 2644, C replaced by T.
Protein change: p.Arg882Trp; replaces arginine 882 with tryptophan.
Molecular consequence: missense variant.
Genome position (GRCh38, 1-based): chr9:138,023,387, C>T. VCF-style: chr9-138023387-C-T. GRCh37 (hg19) VCF-style: chr9-140917839-C-T.
Other names: c.2644C>T, p.Arg882Trp (NM_001243812.2); short protein forms R882W.
Identifiers: ClinVar variation 1932248 (VCV001932248.2), dbSNP rs760199264, ClinGen allele CA5376492.

ClinVar aggregate classification (germline): Uncertain significance (1 of 4 stars; one submission).

Allele frequency attached by ClinVar (database versions not stated): gnomAD 0.00003; ExAC 0.00051.
gnomAD v4.1: 15 of 1,284,416 alleles (0.0012%); highest among the groups gnomAD compares: Non-Finnish European, 0.0015%; no homozygotes.

Submission:

Labcorp Genetics (formerly Invitae), Labcorp
Classification: Uncertain significance. Last evaluated: 2022-07-30. Review status: criteria provided, single submitter. Criteria: Invitae Variant Classification Sherloc (09022015). Collection method: clinical testing. Allele origin: germline.
Comment: This sequence change replaces arginine, which is basic and polar, with tryptophan, which is neutral and slightly polar, at codon 882 of the CACNA1B protein (p.Arg882Trp). The frequency data for this variant in the population databases is considered unreliable, as metrics indicate poor data quality at this position in the gnomAD database. This variant has not been reported in the literature in individuals affected with CACNA1B-related conditions. Advanced modeling of protein sequence and biophysical properties (such as structural, functional, and spatial information, amino acid conservation, physicochemical variation, residue mobility, and thermodynamic stability) performed at Invitae indicates that this missense variant is not expected to disrupt CACNA1B protein function. In summary, the available evidence is currently insufficient to determine the role of this variant in disease. Therefore, it has been classified as a Variant of Uncertain Significance.